The following is an entry in ClinVar:

NM_001365951.3(KIF1B):c.4501C>G (p.Leu1501Val)

Gene: KIF1B (kinesin family member 1B; plus strand). Cytogenetic location: 1p36.22.
Variant type: single nucleotide variant.
Coding change: c.4501C>G on transcript NM_001365951.3 (MANE Select); coding-DNA position 4501, C replaced by G.
Protein change: p.Leu1501Val; replaces leucine 1501 with valine.
Molecular consequence: missense variant.
Genome position (GRCh38, 1-based): chr1:10,365,234, C>G. VCF-style: chr1-10365234-C-G. GRCh37 (hg19) VCF-style: chr1-10425292-C-G.
Other names: c.4501C>G, p.Leu1501Val (NM_001365952.1); c.4363C>G, p.Leu1455Val (NM_015074.3); short protein forms L1455V, L1501V.
Identifiers: ClinVar variation 1740029 (VCV001740029.6), dbSNP rs767884723, ClinGen allele CA582085.

ClinVar aggregate classification (germline): Uncertain significance. Review status: criteria provided, multiple submitters, no conflicts (2 of 4 stars). 2 submissions from 2 submitters: Uncertain significance (2). Last evaluated 2024-08-19.

Conditions:
Charcot-Marie-Tooth disease type 2. Also called: Charcot-Marie-Tooth type 2. Identifiers: Orphanet 64746, MedGen C0270914, MONDO:0018993.

Allele frequency attached by ClinVar (database versions not stated): gnomAD exomes below 0.00001; ExAC 0.00001.
gnomAD v4.1: 1 of 1,614,036 alleles (0.000062%); highest among the groups gnomAD compares: Admixed American, 0.0017%; no homozygotes.

Submissions (2):

Ambry Genetics
Classification: Uncertain significance. Last evaluated: 2024-08-19. Review status: criteria provided, single submitter. Criteria: Ambry Variant Classification Scheme 2023. Collection method: clinical testing. Allele origin: germline.
Comment: The p.L1455V variant (also known as c.4363C>G), located in coding exon 39 of the KIF1B gene, results from a C to G substitution at nucleotide position 4363. The leucine at codon 1455 is replaced by valine, an amino acid with highly similar properties. This amino acid position is conserved. In addition, this alteration is predicted to be tolerated by in silico analysis. Since supporting evidence is limited at this time, the clinical significance of this alteration remains unclear.

Labcorp Genetics (formerly Invitae), Labcorp
Classification: Uncertain significance for Charcot-Marie-Tooth disease type 2. Last evaluated: 2023-10-22. Review status: criteria provided, single submitter. Criteria: Invitae Variant Classification Sherloc (09022015). Collection method: clinical testing. Allele origin: germline.
Comment: This sequence change replaces leucine, which is neutral and non-polar, with valine, which is neutral and non-polar, at codon 1455 of the KIF1B protein (p.Leu1455Val). This variant is present in population databases (rs767884723, gnomAD 0.003%). This variant has not been reported in the literature in individuals affected with KIF1B-related conditions. ClinVar contains an entry for this variant (Variation ID: 1740029). An algorithm developed to predict the effect of missense changes on protein structure and function (PolyPhen-2) suggests that this variant is likely to be tolerated. In summary, the available evidence is currently insufficient to determine the role of this variant in disease. Therefore, it has been classified as a Variant of Uncertain Significance.